The following is an entry in ClinVar:

ClinVar aggregate classification (germline): Uncertain significance. Review status: criteria provided, multiple submitters, no conflicts (2 of 4 stars). 3 submissions from 3 submitters: Uncertain significance (2). 1 of the submissions does not count toward it. Last evaluated 2025-11-17.

Conditions:
Hereditary cancer-predisposing syndrome. Also called: Neoplastic Syndromes, Hereditary; Hereditary Cancer Syndrome; Tumor predisposition; Hereditary neoplastic syndrome. Identifiers: Orphanet 140162, MedGen C0027672, MeSH D009386, MONDO:0015356.
Bloom syndrome (BLM). Also called: Bloom-Torre-Machacek syndrome. Identifiers: Orphanet 125, MedGen C0005859, MONDO:0008876, OMIM 210900.

Allele frequency attached by ClinVar (database versions not stated): gnomAD exomes below 0.00001; TOPMed below 0.00001; ExAC 0.00001; gnomAD 0.00001.
gnomAD v4.1: 3 of 1,613,894 alleles (0.00019%); highest among the groups gnomAD compares: East Asian, 0.0022%; no homozygotes.

Submissions (3):

Ambry Genetics
Classification: Uncertain significance for Hereditary cancer-predisposing syndrome. Last evaluated: 2025-11-17. Review status: criteria provided, single submitter. Criteria: Ambry Variant Classification Scheme 2023. Collection method: clinical testing. Allele origin: germline.
Comment: The p.L435F variant (also known as c.1303C>T), located in coding exon 6 of the BLM gene, results from a C to T substitution at nucleotide position 1303. The leucine at codon 435 is replaced by phenylalanine, an amino acid with highly similar properties. This amino acid position is conserved. In addition, this alteration is predicted to be tolerated by in silico analysis. Since supporting evidence is limited at this time, the clinical significance of this alteration remains unclear.

Labcorp Genetics (formerly Invitae), Labcorp
Classification: Uncertain significance for Bloom syndrome. Last evaluated: 2025-04-18. Review status: criteria provided, single submitter. Criteria: Invitae Variant Classification Sherloc (09022015). Collection method: clinical testing. Allele origin: germline.
Comment: This sequence change replaces leucine, which is neutral and non-polar, with phenylalanine, which is neutral and non-polar, at codon 435 of the BLM protein (p.Leu435Phe). This variant is present in population databases (rs755256088, gnomAD no frequency). This variant has not been reported in the literature in individuals affected with BLM-related conditions. ClinVar contains an entry for this variant (Variation ID: 1036760). Invitae Evidence Modeling of protein sequence and biophysical properties (such as structural, functional, and spatial information, amino acid conservation, physicochemical variation, residue mobility, and thermodynamic stability) indicates that this missense variant is not expected to disrupt BLM protein function with a negative predictive value of 80%. In summary, the available evidence is currently insufficient to determine the role of this variant in disease. Therefore, it has been classified as a Variant of Uncertain Significance.

Natera, Inc.
Classification: Uncertain significance for Bloom syndrome. Last evaluated: 2020-01-24. Review status: no assertion criteria provided. Collection method: clinical testing. Allele origin: germline. Not counted in ClinVar's aggregate classification.

NM_000057.4(BLM):c.1303C>T (p.Leu435Phe)

Gene: BLM (BLM RecQ like helicase; plus strand). Cytogenetic location: 15q26.1.
Variant type: single nucleotide variant.
Coding change: c.1303C>T on transcript NM_000057.4 (MANE Select); coding-DNA position 1303, C replaced by T.
Protein change: p.Leu435Phe; replaces leucine 435 with phenylalanine.
Molecular consequence: missense variant.
Genome position (GRCh38, 1-based): chr15:90,760,676, C>T. VCF-style: chr15-90760676-C-T. GRCh37 (hg19) VCF-style: chr15-91303906-C-T.
Other names: c.1303C>T (NM_000057.2); c.1303C>T, p.Leu435Phe (NM_001287246.2, NM_001287247.2); c.178C>T, p.Leu60Phe (NM_001287248.2); short protein forms L435F, L60F.
Identifiers: ClinVar variation 1036760 (VCV001036760.15), dbSNP rs755256088, ClinGen allele CA7738520.
Genomic context (GRCh38, chr15:90,760,676, plus strand): 5'-GATTTTAATAAAAGTGATGCCAGTCTTCTTGGCTCATTGTGGAGATACAGGCCTGATTCA[C>T]TTGATGGCCCTATGGAGGGTGATTCCTGCCCTACAGGGAATTCTATGAAGGAGTTAAATT-3'
Protein context (NP_000048.1, residues 425-445): GSLWRYRPDS[Leu435Phe]DGPMEGDSCP